The following is an entry in ClinVar:

NM_000041.4(APOE):c.387G>A (p.Val129=)

Gene: APOE (apolipoprotein E; plus strand). Cytogenetic location: 19q13.32.
Variant type: single nucleotide variant.
Coding change: c.387G>A on transcript NM_000041.4 (MANE Select); coding-DNA position 387, G replaced by A.
Protein change: p.Val129=; no amino-acid change (valine 129 retained).
Molecular consequence: synonymous variant.
Genome position (GRCh38, 1-based): chr19:44,908,683, G>A. VCF-style: chr19-44908683-G-A. GRCh37 (hg19) VCF-style: chr19-45411940-G-A.
Other names: c.465G>A, p.Val155= (NM_001302688.2); c.387G>A, p.Val129= (NM_001302689.2, NM_001302690.2, NM_001302691.2).
Identifiers: ClinVar variation 3032874 (VCV003032874.2), dbSNP rs1056815951, ClinGen allele CA308885459.

ClinVar aggregate classification (germline): Likely benign (0 of 4 stars; one submission).

Conditions:
APOE-related disorder. Also called: APOE-related condition.

Allele frequency attached by ClinVar (database versions not stated): gnomAD exomes below 0.00001; gnomAD 0.00001; TOPMed 0.00002.
gnomAD v4.1: 5 of 1,570,028 alleles (0.00032%); highest among the groups gnomAD compares: Admixed American, 0.0019%; no homozygotes.

Submission:

PreventionGenetics, part of Exact Sciences
Classification: Likely benign for APOE-related condition. Last evaluated: 2020-10-14. Review status: no assertion criteria provided. Collection method: clinical testing. Allele origin: germline.
Comment: This variant is classified as likely benign based on ACMG/AMP sequence variant interpretation guidelines (Richards et al. 2015 PMID: 25741868, with internal and published modifications).